The following is an entry in ClinVar:

ClinVar aggregate classification (germline): Uncertain significance (1 of 4 stars; one submission).

Conditions:
Microphthalmia, syndromic 11 (MCOPS11). Identifiers: MedGen C3553077, MONDO:0013734, OMIM 614402.

Submission:

Labcorp Genetics (formerly Invitae), Labcorp
Classification: Uncertain significance for Microphthalmia, syndromic 11. Last evaluated: 2017-04-23. Review status: criteria provided, single submitter. Criteria: Invitae Variant Classification Sherloc (09022015). Collection method: clinical testing. Allele origin: germline.
Comment: This sequence change inserts 1 nucleotide in exon 2 of the VAX1 mRNA (c.312dupC), causing a frameshift at codon 105. This creates a premature translational stop signal (p.Thr105Hisfs*34) and is expected to result in an absent or disrupted protein product. This variant is not present in population databases (ExAC no frequency) and has not been reported in the literature in individuals with a VAX1-related disease. The current clinical and genetic evidence is not sufficient to establish whether loss-of-function variants in VAX1 cause disease. Therefore, this variant has been classified as a Variant of Uncertain Significance.

NM_001112704.2(VAX1):c.312dup (p.Thr105fs)

Gene: VAX1 (ventral anterior homeobox 1; minus strand). Cytogenetic location: 10q25.3.
Variant type: Duplication.
Coding change: c.312dup on transcript NM_001112704.2 (MANE Select); coding-DNA position 312, one base duplicated (C; older notation c.312dupC).
Protein change: p.Thr105fs; shifts the reading frame from threonine 105.
Molecular consequence: frameshift variant.
Genome position (GRCh38, 1-based): chr10:117,136,589, G duplicated on the plus strand (C on the coding strand, the reverse complement: VAX1 is on the minus strand). VCF-style (leftmost placement, unchanged base first): chr10-117136588-T-TG. GRCh37 (hg19) VCF-style: chr10-118896099-T-TG.
Other names: c.312dup, p.Thr105fs (NM_199131.3); c.312dupC (NM_001112704.1); short protein forms T105fs.
Identifiers: ClinVar variation 473143 (VCV000473143.6), dbSNP rs1554942980, ClinGen allele CA658658018.